The following is an entry in ClinVar:

NM_001257180.2(SLC20A2):c.1254C>T (p.Gly418=)

Gene: SLC20A2 (solute carrier family 20 member 2; minus strand). Cytogenetic location: 8p11.21.
Variant type: single nucleotide variant.
Coding change: c.1254C>T on transcript NM_001257180.2 (MANE Select); coding-DNA position 1254, C replaced by T.
Protein change: p.Gly418=; no amino-acid change (glycine 418 retained).
Molecular consequence: synonymous variant.
Genome position (GRCh38, 1-based): chr8:42,437,258, G>A on the plus strand (C>T on the coding strand, the complement: SLC20A2 is on the minus strand). VCF-style: chr8-42437258-G-A. GRCh37 (hg19) VCF-style: chr8-42294776-G-A.
Other names: c.1254C>T, p.Gly418= (NM_001257181.2, NM_006749.5).
Identifiers: ClinVar variation 363074 (VCV000363074.19), dbSNP rs115234947, ClinGen allele CA4733360.

ClinVar aggregate classification (germline): Benign. Review status: criteria provided, multiple submitters, no conflicts (2 of 4 stars). 7 submissions from 7 submitters: Benign (5). 2 of the submissions do not count toward it. Last evaluated 2026-01-24.

Conditions:
Idiopathic basal ganglia calcification 1 (PFBC1A). Also called: Familial Idiopathic Basal Ganglia Calcification 2; Familial Idiopathic Basal Ganglia Calcification 3; Primary Familial Brain Calcification; PRIMARY FAMILIAL BRAIN CALCIFICATION 1A, AUTOSOMAL DOMINANT; Fahr's syndrome; Cerebral calcification nonarteriosclerotic idiopathic adult-onset. Identifiers: Orphanet 1980, MedGen C4551624, MONDO:0024538, OMIM 213600.
SLC20A2-related disorder. Also called: SLC20A2-related condition.

Allele frequency attached by ClinVar (database versions not stated): gnomAD exomes 0.00168 and 0.00487; TOPMed 0.01975; ESP Exome Variant Server 0.01991; ExAC 0.00586; gnomAD 0.01806 and 0.01931; 1000 Genomes Project 30x 0.02342; 1000 Genomes Project 0.02157.
gnomAD v4.1: 5,339 of 1,613,852 alleles (0.33%); highest among the groups gnomAD compares: African/African-American, 5.9%; 150 homozygotes.

Submissions (7):

Labcorp Genetics (formerly Invitae), Labcorp
Classification: Benign. Last evaluated: 2026-01-24. Review status: criteria provided, single submitter. Criteria: Invitae Variant Classification Sherloc (09022015). Collection method: clinical testing. Allele origin: germline.

GeneDx
Classification: Benign. Last evaluated: 2018-08-17. Review status: criteria provided, single submitter. Criteria: GeneDx Variant Classification Process June 2021. Collection method: clinical testing. Allele origin: germline. Affected: yes.

Illumina Laboratory Services, Illumina
Classification: Benign for Idiopathic basal ganglia calcification 1. Last evaluated: 2018-01-12. Review status: criteria provided, single submitter. Criteria: ICSL Variant Classification Criteria 13 December 2019. Collection method: clinical testing. Allele origin: germline.
Comment: This variant was observed in the ICSL laboratory as part of a predisposition screen in an ostensibly healthy population. It had not been previously curated by ICSL or reported in the Human Gene Mutation Database (HGMD: prior to June 1st, 2018), and was therefore a candidate for classification through an automated scoring system. Utilizing variant allele frequency, disease prevalence and penetrance estimates, and inheritance mode, an automated score was calculated to assess if this variant is too frequent to cause the disease. Based on the score and internal cut-off values, a variant classified as benign is not then subjected to further curation. The score for this variant resulted in a classification of benign for this disease.

Clinical Genetics DNA and cytogenetics Diagnostics Lab, Erasmus MC, Erasmus Medical Center
Classification: Benign for Idiopathic basal ganglia calcification 1. Last evaluated: 2015-09-21. Review status: criteria provided, single submitter. Criteria: ACGS Guidelines, 2013. Collection method: clinical testing. Allele origin: germline. Affected: yes. Study: VKGL Data-share Consensus.

Breakthrough Genomics
Classification: Benign. Review status: criteria provided, single submitter. Criteria: ACMG Guidelines, 2015. Collection method: not provided. Allele origin: germline. Inheritance: Autosomal dominant inheritance. Affected: yes.

PreventionGenetics, part of Exact Sciences
Classification: Benign for SLC20A2-related condition. Last evaluated: 2019-11-14. Review status: no assertion criteria provided. Collection method: clinical testing. Allele origin: germline. Not counted in ClinVar's aggregate classification.
Comment: This variant is classified as benign based on ACMG/AMP sequence variant interpretation guidelines (Richards et al. 2015 PMID: 25741868, with internal and published modifications).

Genome Diagnostics Laboratory, Amsterdam University Medical Center
Classification: Likely benign for Idiopathic basal ganglia calcification 1. Last evaluated: 2017-11-10. Review status: no assertion criteria provided. Criteria: ACGS Guidelines, 2013. Collection method: clinical testing. Allele origin: germline. Affected: yes. Study: VKGL Data-share Consensus. Not counted in ClinVar's aggregate classification.